The following is an entry in ClinVar:

NM_001009931.3(HRNR):c.423_432del (p.Arg142fs)

Genes: CCDST (cervical cancer associated DHX9 suppressive transcript; plus strand), HRNR (hornerin; minus strand). Cytogenetic location: 1q21.3.
Variant type: Deletion.
Coding change: c.423_432del on transcript NM_001009931.3 (MANE Select); coding-DNA positions 423 to 432, 10 bases deleted (CAGAAACGTC; older notation c.423_432delCAGAAACGTC).
Protein change: p.Arg142fs; shifts the reading frame from arginine 142.
Molecular consequence: frameshift variant.
Genome position (GRCh38, 1-based): chr1:152,221,197-152,221,206, GACGTTTCTG deleted on the plus strand (CAGAAACGTC on the coding strand, the reverse complement: HRNR is on the minus strand); deleting any 10 consecutive bases within chr1:152,221,197-152,221,208 gives the same sequence; the c. name uses the placement nearest the transcript's 3' end. VCF-style (leftmost placement, unchanged base first): chr1-152221196-TGACGTTTCTG-T. GRCh37 (hg19) VCF-style: chr1-152193672-TGACGTTTCTG-T.
Other names: short protein forms R142fs.
Identifiers: ClinVar variation 3338199 (VCV003338199.2).

ClinVar aggregate classification (germline): Uncertain significance (0 of 4 stars; one submission).

Conditions:
Autism (AUTS). Also called: Autistic disorder of childhood onset; Autistic disorder. Identifiers: MedGen C0004352, MeSH D001321, MONDO:0005260, OMIM 209850, HP:0000717.

Submission:

Centre for Addiction & Mental Health
Classification: Uncertain significance for Autism. Review status: no assertion criteria provided. Collection method: research. Allele origin: biparental. Affected: yes. Observed: 1 homozygote. Segregation with disease observed.
Comment: Gene not previously associated with disease; independent supportng evidence needed